The following is an entry in ClinVar:

ClinVar aggregate classification (germline): Uncertain significance (1 of 4 stars; one submission).

Conditions:
Hereditary spastic paraplegia 28. Also called: Spastic paraplegia 28, autosomal recessive. Identifiers: Orphanet 101008, MedGen C1836295, MONDO:0012256, OMIM 609340.

Allele frequency attached by ClinVar (database versions not stated): TOPMed below 0.00001; gnomAD 0.00001.
gnomAD v4.1: 1 of 1,613,824 alleles (0.000062%); highest among the groups gnomAD compares: African/African-American, 0.0013%; no homozygotes.

Submission:

Labcorp Genetics (formerly Invitae), Labcorp
Classification: Uncertain significance for Hereditary spastic paraplegia 28. Last evaluated: 2024-08-19. Review status: criteria provided, single submitter. Criteria: Invitae Variant Classification Sherloc (09022015). Collection method: clinical testing. Allele origin: germline.
Comment: This sequence change replaces valine, which is neutral and non-polar, with leucine, which is neutral and non-polar, at codon 249 of the DDHD1 protein (p.Val249Leu). This variant is not present in population databases (gnomAD no frequency). This variant has not been reported in the literature in individuals affected with DDHD1-related conditions. ClinVar contains an entry for this variant (Variation ID: 1928927). Invitae Evidence Modeling of protein sequence and biophysical properties (such as structural, functional, and spatial information, amino acid conservation, physicochemical variation, residue mobility, and thermodynamic stability) indicates that this missense variant is not expected to disrupt DDHD1 protein function with a negative predictive value of 80%. In summary, the available evidence is currently insufficient to determine the role of this variant in disease. Therefore, it has been classified as a Variant of Uncertain Significance.

NM_001160148.2(DDHD1):c.745G>C (p.Val249Leu)

Gene: DDHD1 (DDHD domain containing 1; minus strand). Cytogenetic location: 14q22.1.
Variant type: single nucleotide variant.
Coding change: c.745G>C on transcript NM_001160148.2 (MANE Select); coding-DNA position 745, G replaced by C.
Protein change: p.Val249Leu; replaces valine 249 with leucine.
Molecular consequence: missense variant.
Genome position (GRCh38, 1-based): chr14:53,152,354, C>G on the plus strand (G>C on the coding strand, the complement: DDHD1 is on the minus strand). VCF-style: chr14-53152354-C-G. GRCh37 (hg19) VCF-style: chr14-53619072-C-G.
Other names: c.745G>C, p.Val249Leu (NM_001160147.2, NM_030637.3); short protein forms V249L.
Identifiers: ClinVar variation 1928927 (VCV001928927.5), dbSNP rs1387797762, ClinGen allele CA389779519.